The following is an entry in ClinVar:

ClinVar aggregate classification (germline): Conflicting classifications of pathogenicity. Review status: criteria provided, conflicting classifications (1 of 4 stars). 5 submissions from 5 submitters: Uncertain significance (4); Likely benign (1). Last evaluated 2026-09-01.

Conditions:
Distal myopathy with posterior leg and anterior hand involvement. Also called: WILLIAMS DISTAL MYOPATHY. Identifiers: Orphanet 63273, MedGen C3279722, MONDO:0013550, OMIM 614065.
Hypertrophic cardiomyopathy 26. Also called: Cardiomyopathy, familial hypertrophic, 26. Identifiers: Orphanet 75249, MedGen C4310749, MONDO:0014883, OMIM 617047.
Myofibrillar myopathy 5. Also called: Filaminopathy (type); FILAMINOPATHY, AUTOSOMAL DOMINANT. Identifiers: Orphanet 171445, MedGen C1836050, MONDO:0012289, OMIM 609524.
Cardiovascular phenotype. Identifiers: MedGen CN230736.

Allele frequency attached by ClinVar (database versions not stated): gnomAD exomes 0.00001 and 0.00002; TOPMed 0.00001; gnomAD 0.00002.
gnomAD v4.1: 25 of 1,550,220 alleles (0.0016%); highest among the groups gnomAD compares: South Asian, 0.0036%; no homozygotes.

Submissions (5):

CeGaT Center for Human Genetics Tuebingen
Classification: Uncertain significance. Last evaluated: 2026-09-01. Review status: criteria provided, single submitter. Criteria: CeGaT Center For Human Genetics Tuebingen Variant Classification Criteria Version 2. Collection method: clinical testing. Allele origin: germline. Affected: yes. Observed: 1 variant allele.
Comment: FLNC: PP3

Labcorp Genetics (formerly Invitae), Labcorp
Classification: Likely benign for Distal myopathy with posterior leg and anterior hand involvement; Myofibrillar myopathy 5; Hypertrophic cardiomyopathy 26. Last evaluated: 2024-01-19. Review status: criteria provided, single submitter. Criteria: Invitae Variant Classification Sherloc (09022015). Collection method: clinical testing. Allele origin: germline.

Ambry Genetics
Classification: Uncertain significance for Cardiovascular phenotype. Last evaluated: 2023-11-16. Review status: criteria provided, single submitter. Criteria: Ambry Variant Classification Scheme 2023. Collection method: clinical testing. Allele origin: germline.
Comment: The p.G771S variant (also known as c.2311G>A), located in coding exon 15 of the FLNC gene, results from a G to A substitution at nucleotide position 2311. The glycine at codon 771 is replaced by serine, an amino acid with similar properties. This variant has been detected once in a cohort with proximal muscle weakness and/or elevated serum creatine kinase (T&ouml;pf A et al. Genet Med, 2020 Sep;22:1478-1488). This amino acid position is highly conserved in available vertebrate species. In addition, this alteration is predicted to be deleterious by in silico analysis. Since supporting evidence is limited at this time, the clinical significance of this alteration remains unclear.

Fulgent Genetics
Classification: Uncertain significance for Myofibrillar myopathy 5; Distal myopathy with posterior leg and anterior hand involvement; Hypertrophic cardiomyopathy 26. Last evaluated: 2021-09-01. Review status: criteria provided, single submitter. Criteria: ACMG Guidelines, 2015. Collection method: clinical testing. Allele origin: unknown.

Revvity Omics, Revvity
Classification: Uncertain significance. Last evaluated: 2019-06-27. Review status: criteria provided, single submitter. Criteria: ACMG Guidelines, 2015. Collection method: clinical testing. Allele origin: germline.

Literature cited by the submitters: PubMed 32528171 (cited by Ambry Genetics).

NM_001458.5(FLNC):c.2311G>A (p.Gly771Ser)

Gene: FLNC (filamin C; plus strand). Cytogenetic location: 7q32.1.
Variant type: single nucleotide variant.
Coding change: c.2311G>A on transcript NM_001458.5 (MANE Select); coding-DNA position 2311, G replaced by A.
Protein change: p.Gly771Ser; replaces glycine 771 with serine.
Molecular consequence: missense variant.
Genome position (GRCh38, 1-based): chr7:128,842,620, G>A. VCF-style: chr7-128842620-G-A. GRCh37 (hg19) VCF-style: chr7-128482674-G-A.
Other names: c.2311G>A (NM_001458.4); c.2311G>A, p.Gly771Ser (NM_001127487.2); short protein forms G771S.
Identifiers: ClinVar variation 1016730 (VCV001016730.12), dbSNP rs1031265089, ClinGen allele CA166175099.